The following is an entry in ClinVar:

NM_145698.5(ACBD5):c.686G>A (p.Gly229Asp)

Gene: ACBD5 (acyl-CoA binding domain containing 5; minus strand). Cytogenetic location: 10p12.1.
Variant type: single nucleotide variant.
Coding change: c.686G>A on transcript NM_145698.5 (MANE Select); coding-DNA position 686, G replaced by A.
Protein change: p.Gly229Asp; replaces glycine 229 with aspartic acid.
Molecular consequence: missense variant. On other transcripts: intron variant (6).
Genome position (GRCh38, 1-based): chr10:27,218,123, C>T on the plus strand (G>A on the coding strand, the complement: ACBD5 is on the minus strand). VCF-style: chr10-27218123-C-T. GRCh37 (hg19) VCF-style: chr10-27507052-C-T.
Other names: c.581G>A, p.Gly194Asp (NM_001042473.4, NM_001352577.2, NM_001352578.2 and 1 more transcripts); c.680G>A, p.Gly227Asp (NM_001271512.3); c.359G>A, p.Gly120Asp (NM_001301251.2, NM_001301252.2, NM_001301253.2 and 2 more transcripts); c.740G>A, p.Gly247Asp (NM_001352568.1); c.719G>A, p.Gly240Asp (NM_001352569.1); c.686G>A, p.Gly229Asp (NM_001352570.1); c.713G>A, p.Gly238Asp (NM_001352571.1); c.707G>A, p.Gly236Asp (NM_001352572.1); and 10 more; short protein forms G222D, G238D, G247D, G120D, G205D, G227D, G240D, G131D.
Identifiers: ClinVar variation 966261 (VCV000966261.10), dbSNP rs777784674, ClinGen allele CA204466871.

ClinVar aggregate classification (germline): Uncertain significance (1 of 4 stars; one submission).

Allele frequency attached by ClinVar (database versions not stated): TOPMed 0.00001; gnomAD exomes 0.00002.
gnomAD v4.1: 30 of 1,614,046 alleles (0.0019%); highest among the groups gnomAD compares: Non-Finnish European, 0.0025%; no homozygotes.

Submission:

Labcorp Genetics (formerly Invitae), Labcorp
Classification: Uncertain significance. Last evaluated: 2022-11-01. Review status: criteria provided, single submitter. Criteria: Invitae Variant Classification Sherloc (09022015). Collection method: clinical testing. Allele origin: germline.
Comment: In summary, the available evidence is currently insufficient to determine the role of this variant in disease. Therefore, it has been classified as a Variant of Uncertain Significance. This sequence change replaces glycine, which is neutral and non-polar, with aspartic acid, which is acidic and polar, at codon 229 of the ACBD5 protein (p.Gly229Asp). This variant is present in population databases (rs777784674, gnomAD 0.007%). This variant has not been reported in the literature in individuals affected with ACBD5-related conditions. ClinVar contains an entry for this variant (Variation ID: 966261). Advanced modeling of protein sequence and biophysical properties (such as structural, functional, and spatial information, amino acid conservation, physicochemical variation, residue mobility, and thermodynamic stability) performed at Invitae indicates that this missense variant is not expected to disrupt ACBD5 protein function.